The following is an entry in ClinVar:

ClinVar aggregate classification (germline): Uncertain significance. Review status: criteria provided, multiple submitters, no conflicts (2 of 4 stars). 3 submissions from 3 submitters: Uncertain significance (3). Last evaluated 2025-03-20.

Conditions:
Cardiovascular phenotype. Identifiers: MedGen CN230736.
Long QT syndrome (LQTS). Identifiers: MedGen C0023976, MeSH D008133, MONDO:0002442. Disease mechanism: loss of function. Inheritance: Various modes of inheritance.

Allele frequency attached by ClinVar (database versions not stated): gnomAD 0.00001; gnomAD exomes 0.00001; TOPMed 0.00001.
gnomAD v4.1: 11 of 1,137,032 alleles (0.00097%); highest among the groups gnomAD compares: Non-Finnish European, 0.0011%; no homozygotes.

Submissions (3):

Ambry Genetics
Classification: Uncertain significance for Cardiovascular phenotype. Last evaluated: 2025-03-20. Review status: criteria provided, single submitter. Criteria: Ambry Variant Classification Scheme 2023. Collection method: clinical testing. Allele origin: germline.
Comment: The p.P21L variant (also known as c.62C>T), located in coding exon 1 of the KCNQ1 gene, results from a C to T substitution at nucleotide position 62. The proline at codon 21 is replaced by leucine, an amino acid with similar properties. This amino acid position is not well conserved in available vertebrate species. In addition, this alteration is predicted to be tolerated by in silico analysis. Based on the available evidence, the clinical significance of this variant remains unclear.

Labcorp Genetics (formerly Invitae), Labcorp
Classification: Uncertain significance for Long QT syndrome. Last evaluated: 2022-09-27. Review status: criteria provided, single submitter. Criteria: Invitae Variant Classification Sherloc (09022015). Collection method: clinical testing. Allele origin: germline.
Comment: This sequence change replaces proline, which is neutral and non-polar, with leucine, which is neutral and non-polar, at codon 21 of the KCNQ1 protein (p.Pro21Leu). This variant is not present in population databases (gnomAD no frequency). This variant has not been reported in the literature in individuals affected with KCNQ1-related conditions. ClinVar contains an entry for this variant (Variation ID: 1489122). Advanced modeling of protein sequence and biophysical properties (such as structural, functional, and spatial information, amino acid conservation, physicochemical variation, residue mobility, and thermodynamic stability) performed at Invitae indicates that this missense variant is not expected to disrupt KCNQ1 protein function. In summary, the available evidence is currently insufficient to determine the role of this variant in disease. Therefore, it has been classified as a Variant of Uncertain Significance.

Blueprint Genetics
Classification: Uncertain significance. Last evaluated: 2021-09-14. Review status: criteria provided, single submitter. Criteria: ACMG Guidelines, 2015. Collection method: clinical testing. Allele origin: germline.

NM_000218.3(KCNQ1):c.62C>T (p.Pro21Leu)

Gene: KCNQ1 (potassium voltage-gated channel subfamily Q member 1; plus strand). Cytogenetic location: 11p15.5.
Variant type: single nucleotide variant.
Coding change: c.62C>T on transcript NM_000218.3 (MANE Select); coding-DNA position 62, C replaced by T.
Protein change: p.Pro21Leu; replaces proline 21 with leucine.
Molecular consequence: missense variant.
Genome position (GRCh38, 1-based): chr11:2,445,160, C>T. VCF-style: chr11-2445160-C-T. GRCh37 (hg19) VCF-style: chr11-2466390-C-T.
Other names: c.62C>T (NM_000218.2); short protein forms P21L.
Identifiers: ClinVar variation 1489122 (VCV001489122.7), dbSNP rs1589884196, ClinGen allele CA379115987.
Genomic context (GRCh38, chr11:2,445,160, plus strand): 5'-TGGCCGCGGCCTCCTCCCCGCCCAGGGCCGAGAGGAAGCGCTGGGGTTGGGGCCGCCTGC[C>T]AGGCGCCCGGCGGGGCAGCGCGGGCCTGGCCAAGAAGTGCCCCTTCTCGCTGGAGCTGGC-3'
Protein context (NP_000209.2, residues 11-31): ERKRWGWGRL[Pro21Leu]GARRGSAGLA